The following is an entry in ClinVar:

NM_001875.5(CPS1):c.2830-19T>C

Gene: CPS1 (carbamoyl-phosphate synthase 1; plus strand). Cytogenetic location: 2q34.
Variant type: single nucleotide variant.
Coding change: c.2830-19T>C on transcript NM_001875.5 (MANE Select); 19 bases into the intron before coding-DNA position 2830, T replaced by C.
Molecular consequence: intron variant.
Genome position (GRCh38, 1-based): chr2:210,639,131, T>C. VCF-style: chr2-210639131-T-C. GRCh37 (hg19) VCF-style: chr2-211503855-T-C.
Other names: c.2830-19T>C (LRG_336t1, NM_001369257.1, NM_001122633.3); c.2863-19T>C (NM_001369256.1).
Identifiers: ClinVar variation 514609 (VCV000514609.4), dbSNP rs1553516321, ClinGen allele CA658796158.

ClinVar aggregate classification (germline): Likely benign. Review status: criteria provided, multiple submitters, no conflicts (2 of 4 stars). 2 submissions from 2 submitters: Likely benign (2). Last evaluated 2023-07-25.

Conditions:
Congenital hyperammonemia, type I. Also called: CPS I DEFICIENCY; Carbamoyl-phosphate synthase I deficiency; Carbamoyl phosphate synthetase 1 deficiency; Hyperammonemia due to carbamoyl phosphate synthetase 1 deficiency; CPS 1 deficiency; Carbamyl phosphate synthetase (CPS) deficiency. Identifiers: Orphanet 147, MedGen C4082171, MONDO:0009376, OMIM 237300.

Allele frequency attached by ClinVar (database versions not stated): gnomAD exomes below 0.00001.
gnomAD v4.1: 2 of 1,596,648 alleles (0.00013%); highest among the groups gnomAD compares: Middle Eastern, 0.017%; no homozygotes.

Submissions (2):

Labcorp Genetics (formerly Invitae), Labcorp
Classification: Likely benign for Congenital hyperammonemia, type I. Last evaluated: 2023-07-25. Review status: criteria provided, single submitter. Criteria: Invitae Variant Classification Sherloc (09022015). Collection method: clinical testing. Allele origin: germline.

GeneDx
Classification: Likely benign. Last evaluated: 2018-01-22. Review status: criteria provided, single submitter. Criteria: GeneDx Variant Classification (06012015). Collection method: clinical testing. Allele origin: germline. Affected: yes.
Comment: This variant is considered likely benign or benign based on one or more of the following criteria: it is a conservative change, it occurs at a poorly conserved position in the protein, it is predicted to be benign by multiple in silico algorithms, and/or has population frequency not consistent with disease.